The following is an entry in ClinVar:

ClinVar aggregate classification (germline): Uncertain significance (1 of 4 stars; one submission).

gnomAD v4.1: 6 of 1,606,510 alleles (0.00037%); highest among the groups gnomAD compares: Non-Finnish European, 0.00051%; no homozygotes.

Submission:

Mayo Clinic Laboratories, Mayo Clinic
Classification: Uncertain significance. Last evaluated: 2025-09-30. Review status: criteria provided, single submitter. Criteria: ACMG Guidelines, 2015. Collection method: clinical testing. Allele origin: germline. Observed: 1 variant allele.
Comment: BP4_moderate

NM_001020658.2(PUM1):c.1822G>A (p.Ala608Thr)

Gene: PUM1 (pumilio RNA binding family member 1; minus strand). Cytogenetic location: 1p35.2.
Variant type: single nucleotide variant.
Coding change: c.1822G>A on transcript NM_001020658.2 (MANE Select); coding-DNA position 1822, G replaced by A.
Protein change: p.Ala608Thr; replaces alanine 608 with threonine.
Molecular consequence: missense variant.
Genome position (GRCh38, 1-based): chr1:30,966,246, C>T on the plus strand (G>A on the coding strand, the complement: PUM1 is on the minus strand). VCF-style: chr1-30966246-C-T. GRCh37 (hg19) VCF-style: chr1-31439093-C-T.
Other names: p.Ala608Thr; c.1822G>A, p.Ala608Thr (NM_014676.3); short protein forms A608T.
Identifiers: ClinVar variation 4540972 (VCV004540972.1).
Genomic context (GRCh38, chr1:30,966,246, plus strand): 5'-GCTGCTGTGTTCCTAAAGGGCGAAATGGTCCATTTGTTGTTCCAGCAAGACCACCAGCTG[C>T]TCCATTTGCTGAAGCTGCGGCTGCTGCAACAGCTATGAAGAAGAAAGCAAACCGTTTGGC-3'
Protein context (NP_001018494.1, residues 598-618): VAAAAASANG[Ala608Thr]AGGLAGTTNG